The following is an entry in ClinVar:

NM_000094.4(COL7A1):c.2106C>T (p.Val702=)

Gene: COL7A1 (collagen type VII alpha 1 chain; minus strand). Cytogenetic location: 3p21.31.
Variant type: single nucleotide variant.
Coding change: c.2106C>T on transcript NM_000094.4 (MANE Select); coding-DNA position 2106, C replaced by T.
Protein change: p.Val702=; no amino-acid change (valine 702 retained).
Molecular consequence: synonymous variant.
Genome position (GRCh38, 1-based): chr3:48,589,663, G>A on the plus strand (C>T on the coding strand, the complement: COL7A1 is on the minus strand). VCF-style: chr3-48589663-G-A. GRCh37 (hg19) VCF-style: chr3-48627096-G-A.
Identifiers: ClinVar variation 734069 (VCV000734069.15), dbSNP rs75551775, ClinGen allele CA2380990.

ClinVar aggregate classification (germline): Conflicting classifications of pathogenicity. Review status: criteria provided, conflicting classifications (1 of 4 stars). 4 submissions from 4 submitters: Uncertain significance (1); Likely benign (2). 1 of the submissions does not count toward it. Last evaluated 2026-01-19.

Conditions:
Epidermolysis bullosa dystrophica. Also called: Dystrophic epidermolysis bullosa; Dystrophic epidermolysis bullosa, Hallopeau-Siemens type (formerly). Identifiers: Orphanet 303, MedGen C0079294, MONDO:0006543.
Epidermolysis bullosa dystrophica inversa, autosomal recessive. Identifiers: MedGen C2673612.

Allele frequency attached by ClinVar (database versions not stated): 1000 Genomes Project 0.00020; 1000 Genomes Project 30x 0.00031; ESP Exome Variant Server 0.00038; gnomAD exomes 0.00038 and 0.00046; gnomAD 0.00039 and 0.00040; ExAC 0.00041; TOPMed 0.00045.

Submissions (4):

Labcorp Genetics (formerly Invitae), Labcorp
Classification: Likely benign. Last evaluated: 2026-01-19. Review status: criteria provided, single submitter. Criteria: Invitae Variant Classification Sherloc (09022015). Collection method: clinical testing. Allele origin: germline.

Blueprint Genetics
Classification: Likely benign. Last evaluated: 2024-11-26. Review status: criteria provided, single submitter. Criteria: ACMG Guidelines, 2015. Collection method: clinical testing. Allele origin: germline.

Illumina Laboratory Services, Illumina
Classification: Uncertain significance for Dystrophic epidermolysis bullosa. Last evaluated: 2017-04-27. Review status: criteria provided, single submitter. Criteria: ICSL Variant Classification Criteria 13 December 2019. Collection method: clinical testing. Allele origin: germline.
Comment: This variant was observed as part of a predisposition screen in an ostensibly healthy population. A literature search was performed for the gene, cDNA change, and amino acid change (where applicable). Publications were found based on this search. However, the evidence from the literature, in combination with allele frequency data from public databases where available, was not sufficient to rule this variant in or out of causing disease. Therefore, this variant is classified as a variant of unknown significance.

Natera, Inc.
Classification: Likely benign for Autosomal recessive epidermolysis bullosa dystrophica inversa. Last evaluated: 2020-09-16. Review status: no assertion criteria provided. Collection method: clinical testing. Allele origin: germline. Not counted in ClinVar's aggregate classification.

Literature cited by the submitters: PubMed 18951764 (cited by Illumina Laboratory Services, Illumina).